The following is an entry in ClinVar:

ClinVar aggregate classification (germline): Pathogenic (1 of 4 stars; one submission).

Conditions:
Lafora disease. Also called: Epilepsy progressive myoclonic 2; Progressive Myoclonus Epilepsy, Lafora Type. Identifiers: Orphanet 501, MedGen C0751783, MONDO:0009697.

Submission:

Labcorp Genetics (formerly Invitae), Labcorp
Classification: Pathogenic for Lafora disease. Last evaluated: 2023-05-13. Review status: criteria provided, single submitter. Criteria: Invitae Variant Classification Sherloc (09022015). Collection method: clinical testing. Allele origin: germline.
Comment: This sequence change creates a premature translational stop signal (p.Glu374*) in the NHLRC1 gene. While this is not anticipated to result in nonsense mediated decay, it is expected to disrupt the last 22 amino acid(s) of the NHLRC1 protein. This variant is not present in population databases (gnomAD no frequency). This variant has not been reported in the literature in individuals affected with NHLRC1-related conditions. This variant disrupts a region of the NHLRC1 protein in which other variant(s) (p.Lys388Serfs*3) have been determined to be pathogenic (PMID: 20738377). This suggests that this is a clinically significant region of the protein, and that variants that disrupt it are likely to be disease-causing. For these reasons, this variant has been classified as Pathogenic.

Literature cited by the submitters: PubMed 20738377.

NM_198586.3(NHLRC1):c.1120G>T (p.Glu374Ter)

Gene: NHLRC1 (NHL repeat containing E3 ubiquitin protein ligase 1; minus strand). Cytogenetic location: 6p22.3.
Variant type: single nucleotide variant.
Coding change: c.1120G>T on transcript NM_198586.3 (MANE Select); coding-DNA position 1120, G replaced by T.
Protein change: p.Glu374Ter; replaces glutamic acid 374 with a stop codon.
Molecular consequence: nonsense.
Genome position (GRCh38, 1-based): chr6:18,121,487, C>A on the plus strand (G>T on the coding strand, the complement: NHLRC1 is on the minus strand). VCF-style: chr6-18121487-C-A. GRCh37 (hg19) VCF-style: chr6-18121718-C-A.
Other names: short protein forms E374*.
Identifiers: ClinVar variation 2863829 (VCV002863829.3), dbSNP rs771702699, ClinGen allele CA362824672.